The following is an entry in ClinVar:

NM_001457.4(FLNB):c.7472del (p.Glu2491fs)

Genes: FLNB (filamin B; plus strand), FLNB-AS1 (FLNB antisense RNA 1; minus strand). Cytogenetic location: 3p14.3.
Variant type: Deletion.
Coding change: c.7472del on transcript NM_001457.4 (MANE Select); coding-DNA position 7472, one base deleted (A; older notation c.7472delA).
Protein change: p.Glu2491fs; shifts the reading frame from glutamic acid 2491.
Molecular consequence: frameshift variant.
Genome position (GRCh38, 1-based): chr3:58,169,644, A deleted. VCF-style (leftmost placement, unchanged base first): chr3-58169643-GA-G. GRCh37 (hg19) VCF-style: chr3-58155370-GA-G.
Other names: c.7565del, p.Glu2522fs (NM_001164317.2); c.7439del, p.Glu2480fs (NM_001164318.2); c.7400del, p.Glu2467fs (NM_001164319.2); short protein forms E2480fs, E2467fs, E2491fs, E2522fs.
Identifiers: ClinVar variation 3721247 (VCV003721247.2).

ClinVar aggregate classification (germline): Pathogenic (1 of 4 stars; one submission).

Submission:

Labcorp Genetics (formerly Invitae), Labcorp
Classification: Pathogenic. Last evaluated: 2024-09-21. Review status: criteria provided, single submitter. Criteria: Invitae Variant Classification Sherloc (09022015). Collection method: clinical testing. Allele origin: germline.
Comment: This sequence change creates a premature translational stop signal (p.Glu2491Glyfs*3) in the FLNB gene. It is expected to result in an absent or disrupted protein product. Loss-of-function variants in FLNB are known to be pathogenic (PMID: 14991055). This variant is not present in population databases (gnomAD no frequency). This variant has not been reported in the literature in individuals affected with FLNB-related conditions. For these reasons, this variant has been classified as Pathogenic.

Literature cited by the submitters: PubMed 14991055.